The following is an entry in ClinVar:

ClinVar aggregate classification (germline): Uncertain significance. Review status: criteria provided, multiple submitters, no conflicts (2 of 4 stars). 2 submissions from 2 submitters: Uncertain significance (2). Last evaluated 2026-03-03.

Conditions:
Hereditary breast ovarian cancer syndrome. Also called: Hereditary breast and/or ovarian cancer syndrome; Hereditary breast and ovarian cancer syndrome; Breast and ovarian cancer; BRCA1- and BRCA2-Associated Hereditary Breast and Ovarian Cancer; Hereditary breast and ovarian cancer; Hereditary breast and ovarian cancer syndrome (HBOC). Identifiers: Orphanet 145, MedGen C0677776, MeSH D061325, MONDO:0003582. Disease mechanism: loss of function.
Hereditary cancer-predisposing syndrome. Also called: Hereditary Cancer Syndrome; Tumor predisposition; Neoplastic Syndromes, Hereditary; Hereditary neoplastic syndrome. Identifiers: Orphanet 140162, MedGen C0027672, MeSH D009386, MONDO:0015356.

Allele frequency attached by ClinVar (database versions not stated): gnomAD exomes 0.00001.
gnomAD v4.1: 5 of 1,614,070 alleles (0.00031%); highest among the groups gnomAD compares: East Asian, 0.011%; no homozygotes.

Submissions (2):

Ambry Genetics
Classification: Uncertain significance for Hereditary cancer-predisposing syndrome. Last evaluated: 2026-03-03. Review status: criteria provided, single submitter. Criteria: Ambry Variant Classification Scheme 2023. Collection method: clinical testing. Allele origin: germline.
Comment: The p.Q553E variant (also known as c.1657C>G), located in coding exon 14 of the MRE11A gene, results from a C to G substitution at nucleotide position 1657. The glutamine at codon 553 is replaced by glutamic acid, an amino acid with highly similar properties. This amino acid position is conserved. In addition, this alteration is predicted to be tolerated by in silico analysis. Based on the available evidence, the clinical significance of this variant remains unclear.

Cancer Genomics Group, Japanese Foundation For Cancer Research
Classification: Uncertain significance for Hereditary breast and ovarian cancer syndrome. Last evaluated: 2019-05-01. Review status: criteria provided, single submitter. Criteria: ACMG Guidelines, 2015. Collection method: research. Allele origin: germline. Affected: yes.

NM_005591.4(MRE11):c.1657C>G (p.Gln553Glu)

Gene: MRE11 (MRE11 double strand break repair nuclease; minus strand). Cytogenetic location: 11q21.
Variant type: single nucleotide variant.
Coding change: c.1657C>G on transcript NM_005591.4 (MANE Select); coding-DNA position 1657, C replaced by G.
Protein change: p.Gln553Glu; replaces glutamine 553 with glutamic acid.
Molecular consequence: missense variant.
Genome position (GRCh38, 1-based): chr11:94,447,345, G>C on the plus strand (C>G on the coding strand, the complement: MRE11 is on the minus strand). VCF-style: chr11-94447345-G-C. GRCh37 (hg19) VCF-style: chr11-94180511-G-C.
Other names: c.1657C>G, p.Gln553Glu (NM_001330347.2, NM_005590.4); c.1657C>G (NM_005591.3); short protein forms Q553E.
Identifiers: ClinVar variation 830280 (VCV000830280.3), dbSNP rs1945964376, ClinGen allele CA382368460.